The following is an entry in ClinVar:

NM_003872.3(NRP2):c.*2G>A

Gene: NRP2 (neuropilin 2; plus strand). Cytogenetic location: 2q33.3.
Variant type: single nucleotide variant.
Coding change: c.*2G>A on transcript NM_003872.3 (MANE Select); 2 bases downstream of the stop codon, G replaced by A.
Molecular consequence: 3 prime UTR variant.
Genome position (GRCh38, 1-based): chr2:205,795,060, G>A. VCF-style: chr2-205795060-G-A. GRCh37 (hg19) VCF-style: chr2-206659784-G-A.
Other names: c.*2G>A (NM_201266.2, NM_201279.2).
Identifiers: ClinVar variation 3032069 (VCV003032069.2), dbSNP rs7583846, ClinGen allele CA2069659.

ClinVar aggregate classification (germline): Likely benign (0 of 4 stars; one submission).

Conditions:
NRP2-related disorder. Also called: NRP2-related condition.

Allele frequency attached by ClinVar (database versions not stated): gnomAD 0.00005; TOPMed 0.00006; gnomAD exomes 0.00008; ESP Exome Variant Server 0.00015; ExAC 0.00016.
gnomAD v4.1: 126 of 1,613,432 alleles (0.0078%); highest among the groups gnomAD compares: South Asian, 0.052%; 1 homozygote.

Submission:

PreventionGenetics, part of Exact Sciences
Classification: Likely benign for NRP2-related condition. Last evaluated: 2022-09-06. Review status: no assertion criteria provided. Collection method: clinical testing. Allele origin: germline.
Comment: This variant is classified as likely benign based on ACMG/AMP sequence variant interpretation guidelines (Richards et al. 2015 PMID: 25741868, with internal and published modifications).